The following is an entry in ClinVar:

NM_005228.5(EGFR):c.2719T>G (p.Leu907Val)

Gene: EGFR (epidermal growth factor receptor; plus strand). Cytogenetic location: 7p11.2.
Variant type: single nucleotide variant.
Coding change: c.2719T>G on transcript NM_005228.5 (MANE Select); coding-DNA position 2719, T replaced by G.
Protein change: p.Leu907Val; replaces leucine 907 with valine.
Molecular consequence: missense variant.
Genome position (GRCh38, 1-based): chr7:55,198,734, T>G. VCF-style: chr7-55198734-T-G. GRCh37 (hg19) VCF-style: chr7-55266427-T-G.
Other names: c.2584T>G, p.Leu862Val (NM_001346897.2, NM_001346899.2); c.2719T>G, p.Leu907Val (NM_001346898.2); c.2560T>G, p.Leu854Val (NM_001346900.2); c.1918T>G, p.Leu640Val (NM_001346941.2); short protein forms L862V, L907V, L640V, L854V.
Identifiers: ClinVar variation 1960002 (VCV001960002.6), dbSNP rs1218871031, ClinGen allele CA367581205.

ClinVar aggregate classification (germline): Uncertain significance. Review status: criteria provided, multiple submitters, no conflicts (2 of 4 stars). 2 submissions from 2 submitters: Uncertain significance (2). Last evaluated 2026-06-02.

Conditions:
Hereditary cancer-predisposing syndrome. Also called: Neoplastic Syndromes, Hereditary; Tumor predisposition; Hereditary Cancer Syndrome; Hereditary neoplastic syndrome. Identifiers: Orphanet 140162, MedGen C0027672, MeSH D009386, MONDO:0015356.
EGFR-related lung cancer (EGFR). Identifiers: MedGen CN130014.

Submissions (2):

Ambry Genetics
Classification: Uncertain significance for Hereditary cancer-predisposing syndrome. Last evaluated: 2026-06-02. Review status: criteria provided, single submitter. Criteria: Ambry Variant Classification Scheme 2023. Collection method: clinical testing. Allele origin: germline.
Comment: The p.L907V variant (also known as c.2719T>G), located in coding exon 23 of the EGFR gene, results from a T to G substitution at nucleotide position 2719. The leucine at codon 907 is replaced by valine, an amino acid with highly similar properties. This amino acid position is highly conserved in available vertebrate species. In addition, the in silico prediction for this alteration is inconclusive. Based on the available evidence, the clinical significance of this variant remains unclear.

Labcorp Genetics (formerly Invitae), Labcorp
Classification: Uncertain significance for EGFR-related lung cancer. Last evaluated: 2022-10-12. Review status: criteria provided, single submitter. Criteria: Invitae Variant Classification Sherloc (09022015). Collection method: clinical testing. Allele origin: germline.
Comment: In summary, the available evidence is currently insufficient to determine the role of this variant in disease. Therefore, it has been classified as a Variant of Uncertain Significance. Advanced modeling of protein sequence and biophysical properties (such as structural, functional, and spatial information, amino acid conservation, physicochemical variation, residue mobility, and thermodynamic stability) performed at Invitae indicates that this missense variant is not expected to disrupt EGFR protein function. This variant has not been reported in the literature in individuals affected with EGFR-related conditions. This variant is not present in population databases (gnomAD no frequency). This sequence change replaces leucine, which is neutral and non-polar, with valine, which is neutral and non-polar, at codon 907 of the EGFR protein (p.Leu907Val).